The following is an entry in ClinVar:

ClinVar aggregate classification (germline): Uncertain significance (1 of 4 stars; one submission).

Conditions:
Hyperkalemic periodic paralysis. Also called: Familial hyperkalemic periodic paralysis; Gamstorp disease. Identifiers: Orphanet 682, MedGen C0238357, MONDO:0008224, OMIM 170500, HP:0007215.

Submission:

Labcorp Genetics (formerly Invitae), Labcorp
Classification: Uncertain significance for Hyperkalemic periodic paralysis. Last evaluated: 2025-08-20. Review status: criteria provided, single submitter. Criteria: Invitae Variant Classification Sherloc (09022015). Collection method: clinical testing. Allele origin: germline.
Comment: This sequence change replaces glutamine, which is neutral and polar, with histidine, which is basic and polar, at codon 1409 of the SCN4A protein (p.Gln1409His). This variant is not present in population databases (gnomAD no frequency). This variant has not been reported in the literature in individuals affected with SCN4A-related conditions. Invitae Evidence Modeling of protein sequence and biophysical properties (such as structural, functional, and spatial information, amino acid conservation, physicochemical variation, residue mobility, and thermodynamic stability) indicates that this missense variant is not expected to disrupt SCN4A protein function with a negative predictive value of 95%. In summary, the available evidence is currently insufficient to determine the role of this variant in disease. Therefore, it has been classified as a Variant of Uncertain Significance.

NM_000334.4(SCN4A):c.4227G>C (p.Gln1409His)

Genes: GH-LCR (growth hormone locus control region; plus strand), SCN4A (sodium voltage-gated channel alpha subunit 4; minus strand). Cytogenetic location: 17q23.3.
Variant type: single nucleotide variant.
Coding change: c.4227G>C on transcript NM_000334.4 (MANE Select); coding-DNA position 4227, G replaced by C.
Protein change: p.Gln1409His; replaces glutamine 1409 with histidine.
Molecular consequence: missense variant.
Genome position (GRCh38, 1-based): chr17:63,942,887, C>G on the plus strand (G>C on the coding strand, the complement: SCN4A is on the minus strand). VCF-style: chr17-63942887-C-G. GRCh37 (hg19) VCF-style: chr17-62020247-C-G.
Other names: short protein forms Q1409H.
Identifiers: ClinVar variation 4747012 (VCV004747012.1).